The following is an entry in ClinVar:

ClinVar aggregate classification (germline): Uncertain significance (0 of 4 stars; one submission).

Conditions:
ALMS1-related disorder. Also called: ALMS1-related condition.

Submission:

PreventionGenetics, part of Exact Sciences
Classification: Uncertain significance for ALMS1-related condition. Last evaluated: 2024-08-23. Review status: no assertion criteria provided. Collection method: clinical testing. Allele origin: germline.
Comment: The ALMS1 c.3680A>G variant is predicted to result in the amino acid substitution p.Lys1227Arg. To our knowledge, this variant has not been reported in the literature. This variant is reported in 0.0065% of alleles in individuals of African descent in gnomAD. At this time, the clinical significance of this variant is uncertain due to the absence of conclusive functional and genetic evidence.

NM_001378454.1(ALMS1):c.3677A>G (p.Asp1226Gly)

Gene: ALMS1 (ALMS1 centrosome and basal body associated protein; plus strand). Cytogenetic location: 2p13.1.
Variant type: single nucleotide variant.
Coding change: c.3677A>G on transcript NM_001378454.1 (MANE Select); coding-DNA position 3677, A replaced by G.
Protein change: p.Asp1226Gly; replaces aspartic acid 1226 with glycine.
Molecular consequence: missense variant.
Genome position (GRCh38, 1-based): chr2:73,450,204, A>G. VCF-style: chr2-73450204-A-G. GRCh37 (hg19) VCF-style: chr2-73677331-A-G.
Other names: c.3680A>G, p.Asp1227Gly (NM_015120.4); short protein forms D1226G, D1227G.
Identifiers: ClinVar variation 3356561 (VCV003356561.1).